The following continues an entry in ClinVar:

NC_000011.10:g.47332282_47332306del

Gene: MYBPC3. ClinVar aggregate classification (germline): Conflicting classifications of pathogenicity. Pathogenic (2); Likely pathogenic (1); Uncertain significance (5); Benign (1); Likely benign (6).

Submissions 12 to 17 of 17:

Victorian Clinical Genetics Services, Murdoch Childrens Research Institute
Classification: Uncertain significance for Cardiomyopathy. Last evaluated: 2020-06-11. Review status: criteria provided, single submitter. Criteria: ACMG Guidelines, 2015. Collection method: clinical testing. Allele origin: germline.
Comment: Based on the classification scheme VCGS_Germline_v1.1.1, this variant is classified as 3C-VUS. Following criteria are met: 0102 - Loss-of-function is a known mechanism of disease for this gene. (N) 0108 - This gene is known to be associated with both recessive and dominant disease. Heterozygous variants are frequently reported in adult onset conditions, however, recessive inheritance results in a more severe early onset phenotype (OMIM). (N) 0205 – Intronic deletion variant that is predicted to result in a splicing and a truncated protein, with less than 1/3 of the protein affected. (P) 0210 - Splice site variant (canonical or non-canonical) proven to affect splicing/expression of the transcript with a known effect on protein structure. Sequencing of the mRNA from carriers of this variant demonstrated exon 33 skipping. (N) 0251 - Variant is heterozygous. (N) 0308 - Population frequency for this variant in gnomAD is out of keeping with known incidence of cardiomyopathy (962 heterozygotes, 19 homozygotes). (B) 0701 - Comparable variants have very strong previous evidence for pathogenicity. Multiple truncating variants have been reported downstream of this variant (ClinVar). (P) 0801 - Strong previous evidence of pathogenicity in unrelated individuals. More than 10 heterozygotes and homozygotes with cardiomyopathy have been reported with this variant. However, the homozygous deletion was also found in normal individuals (PMID: 19151713). (P) 1002 - Moderate functional evidence supporting abnormal protein function. Expression of this variant in neonatal rat cardiomyocytes highly disorganized and diffused pattern of sarcometric architecture and expression of a protein with lower molecular weight (PMID: 19151713). (P) 1208 - Inheritance information for this variant is not currently available. (N) Legend: (P) - Pathogenic, (N) - Neutral, (B) - Benign

Color Diagnostics, LLC DBA Color Health
Classification: Likely benign for Cardiomyopathy. Last evaluated: 2020-03-24. Review status: criteria provided, single submitter. Criteria: ACMG Guidelines, 2015. Collection method: clinical testing. Allele origin: germline.

Bioinformatics dept., Datar Cancer Genetics Limited, India
Classification: Likely pathogenic for Left ventricular noncompaction 10. Last evaluated: 2017-06-22. Review status: criteria provided, single submitter. Criteria: ACMG Guidelines, 2007. Collection method: clinical testing. Allele origin: germline. Inheritance: Autosomal dominant inheritance. Affected: no. Observed: 1 variant allele, 1 compound heterozygote.

Agnes Ginges Centre for Molecular Cardiology, Centenary Institute
Classification: Uncertain significance for Hypertrophic cardiomyopathy 4. Last evaluated: 2017-02-08. Review status: criteria provided, single submitter. Criteria: ACMG Guidelines, 2015. Collection method: research. Allele origin: germline. Affected: yes.
Comment: This variant has been identified as part of our research program. Refer to the 'condition' field for the phenotype of the proband(s) identified with this variant. For further information please feel free to contact us.

PreventionGenetics, part of Exact Sciences
Classification: Benign for MYBPC3-related condition. Last evaluated: 2020-04-07. Review status: no assertion criteria provided. Collection method: clinical testing. Allele origin: germline. Not counted in ClinVar's aggregate classification.
Comment: This variant is classified as benign based on ACMG/AMP sequence variant interpretation guidelines (Richards et al. 2015 PMID: 25741868, with internal and published modifications).

Clinical Genomics Laboratory, Stanford Medicine
Classification: Likely pathogenic for Hypertrophic cardiomyopathy 4. Last evaluated: 2020-03-12. Review status: no assertion criteria provided. Collection method: clinical testing. Allele origin: germline. Inheritance: Autosomal dominant inheritance. Affected: yes. Not counted in ClinVar's aggregate classification.
Comment: The c.3628-41_3628-17del25 variant in the MYBPC3 gene has been previously reported in the heterozygous, compound heterozygous, or homozygous state in >30 unrelated individuals with cardiomyopathy (Alfares et al., 2015; Bashyam et al., 2012; Dhandapany et al., 2009; Waldmuller et al., 2003). The c.3628-41_3628-17del25 variant has also been identified in 981/30,592 South Asian chromosomes, including 19 homozygotes, by the Genome Aggregation Database, indicating it may be a common, reduced penetrance allele in this population. While the c.3628-41_3628-17del25 variant is relatively common in individuals of South Asian ancestry, case-control studies have found an associated risk with cardiomyopathy (Dhandapany et al., 2009). This variant is predicted to disrupt splicing and lead to skipping of exon 33, reducing the length of the protein (Dhandapany et al., 2009; Waldmuller et al., 2003). These data were assessed using the ACMG/AMP variant interpretation guidelines. In summary, there is sufficient evidence to classify the c.3628-41_3628- 17del25 variant as likely pathogenic with reduced penetrance for hypertrophic cardiomyopathy in an autosomal dominant manner based on the information above. [ACMG evidence codes used: PS4; PM4]

Literature cited by the submitters: PubMed 12788380 (cited by 6 submitters); PubMed 25611685 (cited by AiLife Diagnostics and Women's Health and Genetics/Laboratory Corporation of America, LabCorp); PubMed 30609409 (cited by AiLife Diagnostics); PubMed 30731207 (cited by AiLife Diagnostics); PubMed 19151713 (cited by 6 submitters); PubMed 31980526 (cited by AiLife Diagnostics); PubMed 25583989 (cited by 4 submitters); PubMed 24327208 (cited by AiLife Diagnostics and Victorian Clinical Genetics Services, Murdoch Childrens Research Institute); PubMed 21915287 (cited by 4 submitters); PubMed 21185128 (cited by AiLife Diagnostics); PubMed 30847666 (cited by AiLife Diagnostics); PubMed 29641836 (cited by AiLife Diagnostics); PubMed 31447099 (cited by AiLife Diagnostics); PubMed 18273486 (cited by 4 submitters); PubMed 32163302 (cited by Women's Health and Genetics/Laboratory Corporation of America, LabCorp and Laboratory for Molecular Medicine, Mass General Brigham Personalized Medicine); PubMed 31050699 (cited by Women's Health and Genetics/Laboratory Corporation of America, LabCorp); PubMed 32543992 (cited by Women's Health and Genetics/Laboratory Corporation of America, LabCorp); PubMed 20201939 (cited by 3 submitters); PubMed 21959974 (cited by 3 submitters); PubMed 25335496 (cited by Laboratory for Molecular Medicine, Mass General Brigham Personalized Medicine).